The following is an entry in ClinVar:

NM_001142864.4(PIEZO1):c.4341G>A (p.Ala1447=)

Gene: PIEZO1 (piezo type mechanosensitive ion channel component 1 (Er blood group); minus strand). Cytogenetic location: 16q24.3.
Variant type: single nucleotide variant.
Coding change: c.4341G>A on transcript NM_001142864.4 (MANE Select); coding-DNA position 4341, G replaced by A.
Protein change: p.Ala1447=; no amino-acid change (alanine 1447 retained).
Molecular consequence: synonymous variant.
Genome position (GRCh38, 1-based): chr16:88,723,323, C>T on the plus strand (G>A on the coding strand, the complement: PIEZO1 is on the minus strand). VCF-style: chr16-88723323-C-T. GRCh37 (hg19) VCF-style: chr16-88789731-C-T.
Other names: c.2883G>A, p.Ala961= (NM_014745.1).
Identifiers: ClinVar variation 3036091 (VCV003036091.2), dbSNP rs777901740, ClinGen allele CA8232173.
Genomic context (GRCh38, chr16:88,723,323, plus strand): 5'-CTCCTGCTCCTGCTGCCGCCGCCTCAGCACCGCCTGGGCGTTGGTCACCCATGCCTGGTA[C>T]GCCAGCTGTCGGCCAGCCCCCGGGTTAGGACCCGGCCTCCCGAGCCATCAGACCCAGGCG-3'
Protein context (NP_001136336.2, residues 1437-1457): RPSAQSAFQL[Ala1447=]YQAWVTNAQA

ClinVar aggregate classification (germline): Likely benign (0 of 4 stars; one submission).

Conditions:
PIEZO1-related disorder. Also called: PIEZO1-related condition; PIEZO1-Related Disorders.

Allele frequency attached by ClinVar (database versions not stated): gnomAD 0.00005; TOPMed 0.00009; ExAC 0.00019.
gnomAD v4.1: 97 of 1,537,818 alleles (0.0063%); highest among the groups gnomAD compares: South Asian, 0.029%; no homozygotes.

Submission:

PreventionGenetics, part of Exact Sciences
Classification: Likely benign for PIEZO1-related condition. Last evaluated: 2021-06-09. Review status: no assertion criteria provided. Collection method: clinical testing. Allele origin: germline.
Comment: This variant is classified as likely benign based on ACMG/AMP sequence variant interpretation guidelines (Richards et al. 2015 PMID: 25741868, with internal and published modifications).